The following is an entry in ClinVar:

ClinVar aggregate classification (germline): Pathogenic (1 of 4 stars; one submission).

Conditions:
Myopathy, proximal, and ophthalmoplegia (CMYO6). Also called: CONGENITAL MYOPATHY 6 WITH OPHTHALMOPLEGIA; INCLUSION BODY MYOPATHY 3, AUTOSOMAL DOMINANT; MYOPATHY WITH CONGENITAL JOINT CONTRACTURES, OPHTHALMOPLEGIA, AND RIMMED VACUOLES. Identifiers: Orphanet 363677, Orphanet 79091, MedGen C1854106, MONDO:0011577, OMIM 605637.

Submission:

Labcorp Genetics (formerly Invitae), Labcorp
Classification: Pathogenic for Myopathy, proximal, and ophthalmoplegia. Last evaluated: 2024-11-21. Review status: criteria provided, single submitter. Criteria: Invitae Variant Classification Sherloc (09022015). Collection method: clinical testing. Allele origin: germline.
Comment: This sequence change creates a premature translational stop signal (p.Gln1859*) in the MYH2 gene. It is expected to result in an absent or disrupted protein product. Loss-of-function variants in MYH2 are known to be pathogenic (PMID: 20418530, 23388406, 24193343). This variant is not present in population databases (gnomAD no frequency). This variant has not been reported in the literature in individuals affected with MYH2-related conditions. Algorithms developed to predict the effect of sequence changes on RNA splicing suggest that this variant may disrupt the consensus splice site. For these reasons, this variant has been classified as Pathogenic.

Literature cited by the submitters: PubMed 20418530; PubMed 23388406; PubMed 24193343.

NM_017534.6(MYH2):c.5575C>T (p.Gln1859Ter)

Genes: MYHAS (myosin heavy chain gene cluster antisense RNA; plus strand), MYH2 (myosin heavy chain 2; minus strand). Cytogenetic location: 17p13.1.
Variant type: single nucleotide variant.
Coding change: c.5575C>T on transcript NM_017534.6 (MANE Select); coding-DNA position 5575, C replaced by T.
Protein change: p.Gln1859Ter; replaces glutamine 1859 with a stop codon.
Molecular consequence: nonsense.
Genome position (GRCh38, 1-based): chr17:10,523,310, G>A on the plus strand (C>T on the coding strand, the complement: MYH2 is on the minus strand). VCF-style: chr17-10523310-G-A. GRCh37 (hg19) VCF-style: chr17-10426627-G-A.
Other names: c.5575C>T, p.Gln1859Ter (NM_001100112.2); short protein forms Q1859*.
Identifiers: ClinVar variation 3725735 (VCV003725735.2).